The following is an entry in ClinVar:

NM_001190787.3(MCIDAS):c.625C>T (p.Gln209Ter)

Gene: MCIDAS (multiciliate differentiation and DNA synthesis associated cell cycle protein; minus strand). Cytogenetic location: 5q11.2.
Variant type: single nucleotide variant.
Coding change: c.625C>T on transcript NM_001190787.3 (MANE Select); coding-DNA position 625, C replaced by T.
Protein change: p.Gln209Ter; replaces glutamine 209 with a stop codon.
Molecular consequence: nonsense.
Genome position (GRCh38, 1-based): chr5:55,221,108, G>A on the plus strand (C>T on the coding strand, the complement: MCIDAS is on the minus strand). VCF-style: chr5-55221108-G-A. GRCh37 (hg19) VCF-style: chr5-54516936-G-A.
Other names: short protein forms Q209*.
Identifiers: ClinVar variation 934536 (VCV000934536.8), dbSNP rs1745348853, ClinGen allele CA359731644.

ClinVar aggregate classification (germline): Pathogenic (1 of 4 stars; one submission).

Conditions:
Primary ciliary dyskinesia. Also called: Ciliary dyskinesia. Identifiers: Orphanet 244, MedGen C0008780, MONDO:0016575, HP:0012265.

Submission:

Labcorp Genetics (formerly Invitae), Labcorp
Classification: Pathogenic for Primary ciliary dyskinesia. Last evaluated: 2019-09-01. Review status: criteria provided, single submitter. Criteria: Invitae Variant Classification Sherloc (09022015). Collection method: clinical testing. Allele origin: germline.
Comment: For these reasons, this variant has been classified as Pathogenic. Loss-of-function variants in MCIDAS are known to be pathogenic (PMID: 25048963). This variant has not been reported in the literature in individuals with MCIDAS-related conditions. The frequency data for this variant in the population databases is considered unreliable, as metrics indicate insufficient coverage at this position in the ExAC database. This sequence change creates a premature translational stop signal (p.Gln209*) in the MCIDAS gene. It is expected to result in an absent or disrupted protein product.

Literature cited by the submitters: PubMed 25048963.